The following is an entry in ClinVar:

NR_163594.1(SSPO):n.200G>A

Gene: ZNF467 (zinc finger protein 467; minus strand). Cytogenetic location: 7q36.1.
Variant type: single nucleotide variant.
Molecular consequence: non-coding transcript variant (on NR_163594.1).
Genome position: GRCh38 VCF-style: chr7-149776495-G-A. GRCh37 (hg19) VCF-style: chr7-149473584-G-A.
Identifiers: ClinVar variation 2658148 (VCV002658148.23), dbSNP rs181803407, ClinGen allele CA4554976.

ClinVar aggregate classification (germline): Likely benign (1 of 4 stars; one submission).

Allele frequency attached by ClinVar (database versions not stated): 1000 Genomes Project 30x 0.00234; 1000 Genomes Project 0.00280; TOPMed 0.00725; gnomAD exomes 0.00903; ExAC 0.01352; ESP Exome Variant Server 0.00768; gnomAD 0.00771.
gnomAD v4.1: 11,792 of 1,318,964 alleles (0.89%); highest among the groups gnomAD compares: Middle Eastern, 1%; 87 homozygotes.

Submission:

CeGaT Center for Human Genetics Tuebingen
Classification: Likely benign. Last evaluated: 2023-01-01. Review status: criteria provided, single submitter. Criteria: CeGaT Center For Human Genetics Tuebingen Variant Classification Criteria Version 2. Collection method: clinical testing. Allele origin: germline. Affected: yes. Observed: 1 variant allele.
Comment: SSPOP: BS2